The following is an entry in ClinVar:

ClinVar aggregate classification (germline): Pathogenic/Likely pathogenic. Review status: criteria provided, multiple submitters, no conflicts (2 of 4 stars). 4 submissions from 4 submitters: Pathogenic (1); Likely pathogenic (3). Last evaluated 2024-05-15.

Conditions:
TGFBR1-related disorder. Also called: TGFBR1-related condition.
Familial thoracic aortic aneurysm and aortic dissection (TAAD). Also called: Thoracic aortic aneurysms and dissections. Identifiers: Orphanet 91387, MedGen C4707243, MONDO:0019625.

Submissions (4):

Blueprint Genetics
Classification: Likely pathogenic for TGFBR1-related disorders. Last evaluated: 2024-05-15. Review status: criteria provided, single submitter. Criteria: ACMG Guidelines, 2015. Collection method: clinical testing. Allele origin: germline. Affected: yes. Observed: 1 variant allele.

Labcorp Genetics (formerly Invitae), Labcorp
Classification: Pathogenic for Familial thoracic aortic aneurysm and aortic dissection. Last evaluated: 2024-03-04. Review status: criteria provided, single submitter. Criteria: Invitae Variant Classification Sherloc (09022015). Collection method: clinical testing. Allele origin: germline.
Comment: This sequence change replaces leucine, which is neutral and non-polar, with serine, which is neutral and polar, at codon 486 of the TGFBR1 protein (p.Leu486Ser). This variant is not present in population databases (gnomAD no frequency). This missense change has been observed in individual(s) with thoracic aortic aneurysm and dissection (PMID: 19542084, 30675029). It has also been observed to segregate with disease in related individuals. ClinVar contains an entry for this variant (Variation ID: 625134). Advanced modeling of protein sequence and biophysical properties (such as structural, functional, and spatial information, amino acid conservation, physicochemical variation, residue mobility, and thermodynamic stability) performed at Invitae indicates that this missense variant is expected to disrupt TGFBR1 protein function with a positive predictive value of 80%. For these reasons, this variant has been classified as Pathogenic.

Ambry Genetics
Classification: Likely pathogenic for Familial thoracic aortic aneurysm and aortic dissection. Last evaluated: 2019-05-17. Review status: criteria provided, single submitter. Criteria: Ambry Variant Classification Scheme 2023. Collection method: clinical testing. Allele origin: germline.
Comment: The p.L486S variant (also known as c.1457T>C), located in coding exon 9 of the TGFBR1 gene, results from a T to C substitution at nucleotide position 1457. The leucine at codon 486 is replaced by serine, an amino acid with dissimilar properties. This variant was detected in on individual with a type A dissection and was found in 4 additional relatives with ascending aortic aneurysms (Tran-Fadulu V et al. J. Med. Genet., 2009 Sep;46:607-13). This amino acid position is highly conserved in available vertebrate species. This variant was not reported in the gnomAD database, with coverage at this position. In addition, this alteration is predicted to be deleterious by in silico analysis. Based on the majority of available evidence to date, this variant is likely to be pathogenic.

Institute of Human Genetics, University Medical Center Hamburg-Eppendorf
Classification: Likely pathogenic for Thoracic aortic aneurysm and aortic dissection. Last evaluated: 2018-11-20. Review status: criteria provided, single submitter. Criteria: ACMG Guidelines, 2015. Collection method: clinical testing. Allele origin: unknown. Inheritance: Autosomal dominant inheritance. Affected: yes.

Literature cited by the submitters: PubMed 19542084 (cited by Labcorp Genetics (formerly Invitae), Labcorp and Ambry Genetics); PubMed 30675029 (cited by Labcorp Genetics (formerly Invitae), Labcorp and Institute of Human Genetics, University Medical Center Hamburg-Eppendorf).

NM_004612.4(TGFBR1):c.1457T>C (p.Leu486Ser)

Gene: TGFBR1 (transforming growth factor beta receptor 1; plus strand). Cytogenetic location: 9q22.33.
Variant type: single nucleotide variant.
Coding change: c.1457T>C on transcript NM_004612.4 (MANE Select); coding-DNA position 1457, T replaced by C.
Protein change: p.Leu486Ser; replaces leucine 486 with serine.
Molecular consequence: missense variant.
Genome position (GRCh38, 1-based): chr9:99,149,250, T>C. VCF-style: chr9-99149250-T-C. GRCh37 (hg19) VCF-style: chr9-101911532-T-C.
Other names: c.1226T>C, p.Leu409Ser (NM_001130916.3); c.1469T>C, p.Leu490Ser (NM_001306210.2); short protein forms L486S, L409S, L490S.
Identifiers: ClinVar variation 625134 (VCV000625134.12), dbSNP rs886039176, ClinGen allele CA374233713.
Genomic context (GRCh38, chr9:99,149,250, plus strand): 5'-TAATGGCTAAAATTATGAGAGAATGTTGGTATGCCAATGGAGCAGCTAGGCTTACAGCAT[T>C]GCGGATTAAGAAAACATTATCGCAACTCAGTCAACAGGAAGGCATCAAAATGTAATTCTA-3'
Protein context (NP_004603.1, residues 476-496): YANGAARLTA[Leu486Ser]RIKKTLSQLS